The following is an entry in ClinVar:

NM_000051.4(ATM):c.5528C>T (p.Pro1843Leu)

Gene: ATM (ATM serine/threonine kinase; plus strand). Cytogenetic location: 11q22.3.
Variant type: single nucleotide variant.
Coding change: c.5528C>T on transcript NM_000051.4 (MANE Select); coding-DNA position 5528, C replaced by T.
Protein change: p.Pro1843Leu; replaces proline 1843 with leucine.
Molecular consequence: missense variant.
Genome position (GRCh38, 1-based): chr11:108,304,706, C>T. VCF-style: chr11-108304706-C-T. GRCh37 (hg19) VCF-style: chr11-108175433-C-T.
Other names: c.5528C>T, p.Pro1843Leu (NM_001351834.2); short protein forms P1843L.
Identifiers: ClinVar variation 1748102 (VCV001748102.5), dbSNP rs764522350, ClinGen allele CA6265724.

ClinVar aggregate classification (germline): Uncertain significance. Review status: criteria provided, multiple submitters, no conflicts (2 of 4 stars). 2 submissions from 2 submitters: Uncertain significance (2). Last evaluated 2024-08-23.

Conditions:
Ataxia-telangiectasia syndrome (AT). Also called: LOUIS-BAR SYNDROME; Cerebello-oculocutaneous telangiectasia; Immunodeficiency with ataxia telangiectasia; Ataxia-telangiectasia, complementation group D; AT, COMPLEMENTATION GROUP C; ATAXIA-TELANGIECTASIA, COMPLEMENTATION GROUP A. Identifiers: Orphanet 100, MedGen C0004135, MONDO:0008840, OMIM 208900.
Hereditary cancer-predisposing syndrome. Also called: Neoplastic Syndromes, Hereditary; Tumor predisposition; Hereditary Cancer Syndrome; Hereditary neoplastic syndrome. Identifiers: Orphanet 140162, MedGen C0027672, MeSH D009386, MONDO:0015356.

Allele frequency attached by ClinVar (database versions not stated): ExAC 0.00001; gnomAD 0.00001.
gnomAD v4.1: 1 of 1,613,768 alleles (0.000062%); highest among the groups gnomAD compares: Non-Finnish European, 0.000085%; no homozygotes.

Submissions (2):

Ambry Genetics
Classification: Uncertain significance for Hereditary cancer-predisposing syndrome. Last evaluated: 2024-08-23. Review status: criteria provided, single submitter. Criteria: Ambry Variant Classification Scheme 2023. Collection method: clinical testing. Allele origin: germline.
Comment: The p.P1843L variant (also known as c.5528C>T), located in coding exon 36 of the ATM gene, results from a C to T substitution at nucleotide position 5528. The proline at codon 1843 is replaced by leucine, an amino acid with similar properties. This amino acid position is highly conserved in available vertebrate species. In addition, this alteration is predicted to be deleterious by in silico analysis. Based on the available evidence, the clinical significance of this variant remains unclear.

Labcorp Genetics (formerly Invitae), Labcorp
Classification: Uncertain significance for Ataxia-telangiectasia syndrome. Last evaluated: 2024-08-15. Review status: criteria provided, single submitter. Criteria: Invitae Variant Classification Sherloc (09022015). Collection method: clinical testing. Allele origin: germline.
Comment: This sequence change replaces proline, which is neutral and non-polar, with leucine, which is neutral and non-polar, at codon 1843 of the ATM protein (p.Pro1843Leu). This variant is present in population databases (rs764522350, gnomAD 0.0009%). This variant has not been reported in the literature in individuals affected with ATM-related conditions. ClinVar contains an entry for this variant (Variation ID: 1748102). An algorithm developed to predict the effect of missense changes on protein structure and function (PolyPhen-2) suggests that this variant is likely to be disruptive. In summary, the available evidence is currently insufficient to determine the role of this variant in disease. Therefore, it has been classified as a Variant of Uncertain Significance.